The following is an entry in ClinVar:

ClinVar aggregate classification (germline): Benign/Likely benign. Review status: criteria provided, multiple submitters, no conflicts (2 of 4 stars). 15 submissions from 12 submitters: Benign (8); Likely benign (7). Last evaluated 2026-01-25.

Conditions:
Dilated cardiomyopathy 1G (CMD1G). Identifiers: Orphanet 154, MedGen C1858763, MONDO:0011400, OMIM 604145.
Autosomal recessive limb-girdle muscular dystrophy type 2J (LGMDR10). Also called: Limb-girdle muscular dystrophy, type 2J; MUSCULAR DYSTROPHY, LIMB-GIRDLE, AUTOSOMAL RECESSIVE 10. Identifiers: Orphanet 140922, MedGen C1837342, MONDO:0012127, OMIM 608807.
TTN-related disorder. Also called: TTN-related condition; TTN-related disease; TTN-related disorders.
Cardiovascular phenotype. Identifiers: MedGen CN230736.
Tibial muscular dystrophy (TMD). Also called: Udd Distal Myopathy – Tibial Muscular Dystrophy; UDD MYOPATHY; Tibial muscular dystrophy, tardive. Identifiers: Orphanet 609, MedGen C1838244, MONDO:0010870, OMIM 600334.
Myopathy, myofibrillar, 9, with early respiratory failure (MFM9). Also called: Hereditary myopathy with early respiratory failure; EDSTROM MYOPATHY; MYOPATHY, PROXIMAL, WITH EARLY RESPIRATORY MUSCLE INVOLVEMENT; Myopathy, distal, with early respiratory failure, autosomal dominant. Identifiers: Orphanet 178464, Orphanet 34521, MedGen C1863599, MONDO:0011362, OMIM 603689.
Hypertrophic cardiomyopathy 9. Also called: Familial hypertrophic cardiomyopathy 9. Identifiers: MedGen C1861065, MONDO:0013412, OMIM 613765.
Early-onset myopathy with fatal cardiomyopathy (CMYO5). Also called: CONGENITAL MYOPATHY 5 WITH CARDIOMYOPATHY; Salih Myopathy. Identifiers: Orphanet 289377, MedGen C2673677, MONDO:0012714, OMIM 611705. Disease mechanism: loss of function.

Allele frequency attached by ClinVar (database versions not stated): gnomAD exomes 0.00007 and 0.00021; ExAC 0.00027; 1000 Genomes Project 30x 0.00078; 1000 Genomes Project 0.00080; gnomAD 0.00080 and 0.00086; ESP Exome Variant Server 0.00101; TOPMed 0.00109.
gnomAD v4.1: 234 of 1,612,608 alleles (0.015%); highest among the groups gnomAD compares: African/African-American, 0.26%; 2 homozygotes.

Submissions (15):

Labcorp Genetics (formerly Invitae), Labcorp
Classification: Benign for Dilated cardiomyopathy 1G; Autosomal recessive limb-girdle muscular dystrophy type 2J. Last evaluated: 2026-01-25. Review status: criteria provided, single submitter. Criteria: Invitae Variant Classification Sherloc (09022015). Collection method: clinical testing. Allele origin: germline.

PreventionGenetics, part of Exact Sciences
Classification: Likely benign for TTN-related condition. Last evaluated: 2025-05-07. Review status: criteria provided, single submitter. Criteria: ACMG Guidelines, 2015. Collection method: clinical testing. Allele origin: germline.
Comment: This variant is classified as likely benign based on ACMG/AMP sequence variant interpretation guidelines (Richards et al. 2015 PMID: 25741868, with internal and published modifications).

Molecular Diagnostic Laboratory for Inherited Cardiovascular Disease, Montreal Heart Institute
Classification: Benign. Last evaluated: 2025-04-09. Review status: criteria provided, single submitter. Criteria: ACMG Guidelines, 2015. Collection method: clinical testing. Allele origin: germline. Affected: no.

Mayo Clinic Laboratories, Mayo Clinic
Classification: Likely benign. Last evaluated: 2025-04-08. Review status: criteria provided, single submitter. Criteria: ACMG Guidelines, 2015. Collection method: clinical testing. Allele origin: germline. Observed: 1 variant allele.
Comment: BS1, BP4, BP7

Blueprint Genetics
Classification: Likely benign. Last evaluated: 2024-06-27. Review status: criteria provided, single submitter. Criteria: ACMG Guidelines, 2015. Collection method: clinical testing. Allele origin: germline.

Ambry Genetics
Classification: Likely benign for Cardiovascular phenotype. Last evaluated: 2023-12-06. Review status: criteria provided, single submitter. Criteria: Ambry Variant Classification Scheme 2023. Collection method: clinical testing. Allele origin: germline.

Women's Health and Genetics/Laboratory Corporation of America, LabCorp
Classification: Likely benign. Last evaluated: 2023-08-19. Review status: criteria provided, single submitter. Criteria: LabCorp Variant Classification Summary - May 2015. Collection method: clinical testing. Allele origin: germline.

Fulgent Genetics
Classification: Likely benign for Tibial muscular dystrophy; Myopathy, myofibrillar, 9, with early respiratory failure; Dilated cardiomyopathy 1G; Autosomal recessive limb-girdle muscular dystrophy type 2J; Early-onset myopathy with fatal cardiomyopathy; Hypertrophic cardiomyopathy 9. Last evaluated: 2022-05-11. Review status: criteria provided, single submitter. Criteria: ACMG Guidelines, 2015. Collection method: clinical testing. Allele origin: unknown.

Genome-Nilou Lab
Classification: Benign for Autosomal recessive limb-girdle muscular dystrophy type 2J. Last evaluated: 2021-09-10. Review status: criteria provided, single submitter. Criteria: ACMG Guidelines, 2015. Collection method: clinical testing. Allele origin: germline. Affected: no.

Genome-Nilou Lab
Classification: Benign for Myopathy, myofibrillar, 9, with early respiratory failure. Last evaluated: 2021-09-10. Review status: criteria provided, single submitter. Criteria: ACMG Guidelines, 2015. Collection method: clinical testing. Allele origin: germline. Affected: no.

Genome-Nilou Lab
Classification: Benign for Early-onset myopathy with fatal cardiomyopathy. Last evaluated: 2021-09-10. Review status: criteria provided, single submitter. Criteria: ACMG Guidelines, 2015. Collection method: clinical testing. Allele origin: germline. Affected: no.

Genome-Nilou Lab
Classification: Benign for Tibial muscular dystrophy. Last evaluated: 2021-09-10. Review status: criteria provided, single submitter. Criteria: ACMG Guidelines, 2015. Collection method: clinical testing. Allele origin: germline. Affected: no.

Athena Diagnostics
Classification: Benign. Last evaluated: 2018-07-20. Review status: criteria provided, single submitter. Criteria: Athena Diagnostics Criteria. Collection method: clinical testing. Allele origin: germline.

GeneDx
Classification: Benign. Last evaluated: 2015-03-03. Review status: criteria provided, single submitter. Criteria: GeneDx Variant Classification Process June 2021. Collection method: clinical testing. Allele origin: germline. Affected: yes.

Laboratory for Molecular Medicine, Mass General Brigham Personalized Medicine
Classification: Likely benign. Last evaluated: 2012-03-19. Review status: criteria provided, single submitter. Criteria: LMM Criteria. Collection method: clinical testing. Allele origin: germline. Observed: 3 variant alleles.
Comment: Asp12360Asp in exon 191 of TTN: This variant is not expected to have clinical si gnificance because it does not alter an amino acid residue and is not located wi thin the splice consensus sequence. It has been identified in 0.3% (9/3042) of A frican American chromosomes from a broad population by the NHLBI Exome Sequencin g Project.

NM_001267550.2(TTN):c.44784T>C (p.Asp14928=)

Gene: TTN (titin; minus strand). Cytogenetic location: 2q31.2.
Variant type: single nucleotide variant.
Coding change: c.44784T>C on transcript NM_001267550.2 (MANE Select); coding-DNA position 44784, T replaced by C.
Protein change: p.Asp14928=; no amino-acid change (aspartic acid 14928 retained).
Molecular consequence: synonymous variant.
Genome position (GRCh38, 1-based): chr2:178,624,496, A>G on the plus strand (T>C on the coding strand, the complement: TTN is on the minus strand). VCF-style: chr2-178624496-A-G. GRCh37 (hg19) VCF-style: chr2-179489223-A-G.
Other names: p.Asp13287=; c.17589T>C, p.Asp5863= (NM_003319.4); c.37080T>C, p.Asp12360= (NM_133378.4); c.39861T>C, p.Asp13287= (NM_001256850.1); c.17964T>C, p.Asp5988= (NM_133432.3); c.18165T>C, p.Asp6055= (NM_133437.4).
Identifiers: ClinVar variation 178213 (VCV000178213.28), dbSNP rs186105748, ClinGen allele CA181804.